The following is an entry in ClinVar:

NM_000135.4(FANCA):c.3857A>C (p.His1286Pro)

Genes: FANCA (FA complementation group A; minus strand), ZNF276 (zinc finger protein 276; plus strand). Cytogenetic location: 16q24.3.
Variant type: single nucleotide variant.
Coding change: c.3857A>C on transcript NM_000135.4 (MANE Select); coding-DNA position 3857, A replaced by C.
Protein change: p.His1286Pro; replaces histidine 1286 with proline.
Molecular consequence: missense variant. On other transcripts: 3 prime UTR variant (2), non-coding transcript variant (4).
Genome position (GRCh38, 1-based): chr16:89,740,071, T>G on the plus strand (A>C on the coding strand, the complement: FANCA is on the minus strand). VCF-style: chr16-89740071-T-G. GRCh37 (hg19) VCF-style: chr16-89806479-T-G.
Other names: c.3857A>C, p.His1286Pro (NM_001286167.3); c.*1825T>G (NM_001113525.2, NM_152287.4); short protein forms H1286P.
Identifiers: ClinVar variation 134274 (VCV000134274.5), dbSNP rs138620653, ClinGen allele CA159325.
Genomic context (GRCh38, chr16:89,740,071, plus strand): 5'-AAGAGTGCCAGCCAGGATATCTTCCTCTTCTCTAAACACTCGAGGATTGCTGCACAAACG[T>G]GGAAAGCCTTTGGCAGGTCTGTGGTGCTCTGTAAACCGCAGGAGACCAACCCTGAGAATG-3'
Protein context (NP_000126.2, residues 1276-1296): NSTTDLPKAF[His1286Pro]VCAAILECLE

ClinVar aggregate classification (germline): Likely benign. Review status: criteria provided, single submitter (1 of 4 stars). 2 submissions from 2 submitters: Likely benign (1). 1 of the submissions does not count toward it. Last evaluated 2024-01-20.

Conditions:
Fanconi anemia (FA). Also called: Fanconi's anemia. Identifiers: Orphanet 84, MedGen C0015625, MeSH D005199, MONDO:0019391.

Allele frequency attached by ClinVar (database versions not stated): gnomAD 0.00001; gnomAD exomes 0.00001 and 0.00002; ExAC 0.00002; TOPMed 0.00002; ESP Exome Variant Server 0.00008.
gnomAD v4.1: 11 of 1,614,006 alleles (0.00068%); highest among the groups gnomAD compares: African/African-American, 0.0027%; no homozygotes.

Submissions (2):

Labcorp Genetics (formerly Invitae), Labcorp
Classification: Likely benign for Fanconi anemia. Last evaluated: 2024-01-20. Review status: criteria provided, single submitter. Criteria: Invitae Variant Classification Sherloc (09022015). Collection method: clinical testing. Allele origin: germline.

ITMI
No classification provided. Condition: AllHighlyPenetrant. Last evaluated: 2013-09-19. Review status: no classification provided. Collection method: reference population. Allele origin: germline. Not counted in ClinVar's aggregate classification.
Comment: Please see associated publication for description of ethnicities

Literature cited by the submitters: PubMed 24728327 (cited by ITMI).